The following is an entry in ClinVar:

ClinVar aggregate classification (germline): Uncertain significance. Review status: criteria provided, multiple submitters, no conflicts (2 of 4 stars). 2 submissions from 2 submitters: Uncertain significance (2). Last evaluated 2022-01-12.

Conditions:
Primary ciliary dyskinesia. Also called: Ciliary dyskinesia. Identifiers: Orphanet 244, MedGen C0008780, MONDO:0016575, HP:0012265.

gnomAD v4.1: 2 of 1,612,162 alleles (0.00012%); highest among the groups gnomAD compares: Non-Finnish European, 0.00017%; no homozygotes.

Submissions (2):

Labcorp Genetics (formerly Invitae), Labcorp
Classification: Uncertain significance for Primary ciliary dyskinesia. Last evaluated: 2022-01-12. Review status: criteria provided, single submitter. Criteria: Invitae Variant Classification Sherloc (09022015). Collection method: clinical testing. Allele origin: germline.
Comment: This variant is present in population databases (rs12670130, gnomAD 0.002%). This variant has not been reported in the literature in individuals affected with DNAH11-related conditions. Advanced modeling of protein sequence and biophysical properties (such as structural, functional, and spatial information, amino acid conservation, physicochemical variation, residue mobility, and thermodynamic stability) performed at Invitae indicates that this missense variant is not expected to disrupt DNAH11 protein function. In summary, the available evidence is currently insufficient to determine the role of this variant in disease. Therefore, it has been classified as a Variant of Uncertain Significance. This sequence change replaces glutamine, which is neutral and polar, with leucine, which is neutral and non-polar, at codon 639 of the DNAH11 protein (p.Gln639Leu).

Ambry Genetics
Classification: Uncertain significance for Primary ciliary dyskinesia. Last evaluated: 2020-03-27. Review status: criteria provided, single submitter. Criteria: Ambry Variant Classification Scheme 2023. Collection method: clinical testing. Allele origin: germline.
Comment: The p.Q639L variant (also known as c.1916A>T), located in coding exon 11 of the DNAH11 gene, results from an A to T substitution at nucleotide position 1916. The glutamine at codon 639 is replaced by leucine, an amino acid with dissimilar properties. This amino acid position is poorly conserved in available vertebrate species. In addition, this alteration is predicted to be tolerated by in silico analysis. Since supporting evidence is limited at this time, the clinical significance of this alteration remains unclear.

NM_001277115.2(DNAH11):c.1916A>T (p.Gln639Leu)

Gene: DNAH11 (dynein axonemal heavy chain 11; plus strand). Cytogenetic location: 7p15.3.
Variant type: single nucleotide variant.
Coding change: c.1916A>T on transcript NM_001277115.2 (MANE Select); coding-DNA position 1916, A replaced by T.
Protein change: p.Gln639Leu; replaces glutamine 639 with leucine.
Molecular consequence: missense variant.
Genome position (GRCh38, 1-based): chr7:21,588,579, A>T. VCF-style: chr7-21588579-A-T. GRCh37 (hg19) VCF-style: chr7-21628197-A-T.
Other names: c.1916A>T, p.Gln639Leu (NM_003777.3); short protein forms Q639L.
Identifiers: ClinVar variation 1782586 (VCV001782586.7), dbSNP rs12670130, ClinGen allele CA4179155.